The following is an entry in ClinVar:

ClinVar aggregate classification (germline): Uncertain significance (1 of 4 stars; one submission).

Allele frequency attached by ClinVar (database versions not stated): ExAC 0.00001; gnomAD 0.00001; TOPMed 0.00002.

Submission:

Ambry Genetics
Classification: Uncertain significance. Last evaluated: 2024-03-12. Review status: criteria provided, single submitter. Criteria: Ambry Variant Classification Scheme 2023. Collection method: clinical testing. Allele origin: germline.
Comment: The p.E133K variant (also known as c.397G>A), located in coding exon 3 of the ALPK2 gene, results from a G to A substitution at nucleotide position 397. The glutamic acid at codon 133 is replaced by lysine, an amino acid with similar properties. This amino acid position is conserved. In addition, this alteration is predicted to be tolerated by in silico analysis. Since supporting evidence is limited at this time, the clinical significance of this alteration remains unclear.

NM_052947.4(ALPK2):c.397G>A (p.Glu133Lys)

Gene: ALPK2 (alpha kinase 2; minus strand). Cytogenetic location: 18q21.31.
Variant type: single nucleotide variant.
Coding change: c.397G>A on transcript NM_052947.4 (MANE Select); coding-DNA position 397, G replaced by A.
Protein change: p.Glu133Lys; replaces glutamic acid 133 with lysine.
Molecular consequence: missense variant.
Genome position (GRCh38, 1-based): chr18:58,580,379, C>T on the plus strand (G>A on the coding strand, the complement: ALPK2 is on the minus strand). VCF-style: chr18-58580379-C-T. GRCh37 (hg19) VCF-style: chr18-56247611-C-T.
Other names: short protein forms E133K.
Identifiers: ClinVar variation 1736687 (VCV001736687.2), dbSNP rs746017012, ClinGen allele CA8977456.